The following is an entry in ClinVar:

ClinVar aggregate classification (germline): Likely benign. Review status: criteria provided, multiple submitters, no conflicts (2 of 4 stars). 2 submissions from 2 submitters: Likely benign (2). Last evaluated 2025-12-22.

Conditions:
USH1C-related disorder. Also called: USH1C-related condition.

Allele frequency attached by ClinVar (database versions not stated): ExAC 0.00002; gnomAD exomes 0.00002; ESP Exome Variant Server 0.00008; gnomAD 0.00012 and 0.00014; TOPMed 0.00014.
gnomAD v4.1: 42 of 1,614,010 alleles (0.0026%); highest among the groups gnomAD compares: African/African-American, 0.049%; no homozygotes.

Submissions (2):

Labcorp Genetics (formerly Invitae), Labcorp
Classification: Likely benign. Last evaluated: 2025-12-22. Review status: criteria provided, single submitter. Criteria: Invitae Variant Classification Sherloc (09022015). Collection method: clinical testing. Allele origin: germline.

PreventionGenetics, part of Exact Sciences
Classification: Likely benign for USH1C-related condition. Last evaluated: 2025-09-30. Review status: criteria provided, single submitter. Criteria: ACMG Guidelines, 2015. Collection method: clinical testing. Allele origin: germline.
Comment: This variant is classified as likely benign based on ACMG/AMP sequence variant interpretation guidelines (Richards et al. 2015 PMID: 25741868, with internal and published modifications).

NM_153676.4(USH1C):c.1116G>A (p.Lys372=)

Gene: USH1C (USH1 protein network component harmonin; minus strand). Cytogenetic location: 11p15.1.
Variant type: single nucleotide variant.
Coding change: c.1116G>A on transcript NM_153676.4 (MANE Select); coding-DNA position 1116, G replaced by A.
Protein change: p.Lys372=; no amino-acid change (lysine 372 retained).
Molecular consequence: synonymous variant. On other transcripts: non-coding transcript variant (1).
Genome position (GRCh38, 1-based): chr11:17,520,964, C>T on the plus strand (G>A on the coding strand, the complement: USH1C is on the minus strand). VCF-style: chr11-17520964-C-T. GRCh37 (hg19) VCF-style: chr11-17542511-C-T.
Other names: c.1059G>A, p.Lys353= (NM_001297764.2); c.1116G>A, p.Lys372= (NM_005709.4); c.1116G>A (NM_153676.3).
Identifiers: ClinVar variation 1158136 (VCV001158136.10), dbSNP rs367623689, ClinGen allele CA5904705.
Genomic context (GRCh38, chr11:17,520,964, plus strand): 5'-AGCAGTGATGGTTTTAGGCAAGAGTAGCTGTTCCTTTGAGCCCCAGTCTTCTTCCCATTG[C>T]TTCTTAAACTTCTCTTCCTCCTCTACAATCCTAAAATGAGACCCCCATGCCTGTTACTGG-3'
Protein context (NP_710142.1, residues 362-382): QIVEEEEKFK[Lys372=]QWEEDWGSKE